The following is an entry in ClinVar:

NM_000807.4(GABRA2):c.653A>G (p.Tyr218Cys)

Gene: GABRA2 (gamma-aminobutyric acid type A receptor subunit alpha2; minus strand). Cytogenetic location: 4p12.
Variant type: single nucleotide variant.
Coding change: c.653A>G on transcript NM_000807.4 (MANE Select); coding-DNA position 653, A replaced by G.
Protein change: p.Tyr218Cys; replaces tyrosine 218 with cysteine.
Molecular consequence: missense variant.
Genome position (GRCh38, 1-based): chr4:46,305,618, T>C on the plus strand (A>G on the coding strand, the complement: GABRA2 is on the minus strand). VCF-style: chr4-46305618-T-C. GRCh37 (hg19) VCF-style: chr4-46307635-T-C.
Other names: c.653A>G, p.Tyr218Cys (NM_001114175.3, NM_001330690.2, NM_001377144.1 and 8 more transcripts); c.488A>G, p.Tyr163Cys (NM_001286827.3, NM_001377152.1, NM_001377153.1 and 1 more transcripts); short protein forms Y163C, Y218C.
Identifiers: ClinVar variation 1318660 (VCV001318660.8), dbSNP rs2109643293, ClinGen allele CA356798686.

ClinVar aggregate classification (germline): Conflicting classifications of pathogenicity. Review status: criteria provided, conflicting classifications (1 of 4 stars). 3 submissions from 3 submitters: Uncertain significance (2); Likely benign (1). Last evaluated 2024-08-15.

Conditions:
Inborn genetic diseases. Identifiers: MedGen C0950123, MeSH D030342.

Allele frequency attached by ClinVar (database versions not stated): gnomAD exomes below 0.00001.
gnomAD v4.1: 1 of 1,613,994 alleles (0.000062%); highest among the groups gnomAD compares: Non-Finnish European, 0.000085%; no homozygotes.

Submissions (3):

GeneDx
Classification: Uncertain significance. Last evaluated: 2024-08-15. Review status: criteria provided, single submitter. Criteria: GeneDx Variant Classification Process June 2021. Collection method: clinical testing. Allele origin: germline. Affected: yes.
Comment: Not observed at significant frequency in large population cohorts (gnomAD); In silico analysis supports that this missense variant has a deleterious effect on protein structure/function; Has not been previously published as pathogenic or benign to our knowledge

Labcorp Genetics (formerly Invitae), Labcorp
Classification: Likely benign. Last evaluated: 2024-07-01. Review status: criteria provided, single submitter. Criteria: Invitae Variant Classification Sherloc (09022015). Collection method: clinical testing. Allele origin: germline.

Ambry Genetics
Classification: Uncertain significance for Inborn genetic diseases. Last evaluated: 2022-08-26. Review status: criteria provided, single submitter. Criteria: Ambry Variant Classification Scheme 2023. Collection method: clinical testing. Allele origin: germline.